The following is an entry in ClinVar:

NM_003560.4(PLA2G6):c.209+9dup

Gene: PLA2G6 (phospholipase A2 group VI; minus strand). Cytogenetic location: 22q13.1.
Variant type: Duplication.
Coding change: c.209+9dup on transcript NM_003560.4 (MANE Select); 9 bases into the intron after coding-DNA position 209, one base duplicated (T; older notation c.209+9dupT).
Molecular consequence: intron variant.
Genome position (GRCh38, 1-based): chr22:38,169,209, A duplicated on the plus strand (T on the coding strand, the reverse complement: PLA2G6 is on the minus strand). VCF-style (leftmost placement, unchanged base first): chr22-38169208-C-CA. GRCh37 (hg19) VCF-style: chr22-38565215-C-CA.
Other names: p.?; c.-282+9dup (NM_001349868.2); c.209+9dup (NM_001349866.2, NM_001199562.3, NM_001349865.2 and 3 more transcripts); c.-457+9dup (NM_001349869.2, NM_001349867.2).
Identifiers: ClinVar variation 702710 (VCV000702710.14), dbSNP rs769384129, ClinGen allele CA10231346.

ClinVar aggregate classification (germline): Likely benign. Review status: criteria provided, multiple submitters, no conflicts (2 of 4 stars). 3 submissions from 3 submitters: Likely benign (2). 1 of the submissions does not count toward it. Last evaluated 2026-01-30.

Conditions:
Infantile neuroaxonal dystrophy (NBIA2A). Also called: NEURODEGENERATION WITH BRAIN IRON ACCUMULATION 2A; SEITELBERGER DISEASE; Infantile neuroaxonal dystrophy 1. Identifiers: Orphanet 35069, MedGen C0270724, MONDO:0024457, OMIM 256600.
PLA2G6-related disorder. Also called: PLA2G6-related condition.

Allele frequency attached by ClinVar (database versions not stated): gnomAD exomes 0.00040 and 0.00014; gnomAD 0.00134 and 0.00118; 1000 Genomes Project 30x 0.00031; ESP Exome Variant Server 0.00128; TOPMed 0.00138; ExAC 0.00042.

Submissions (3):

Labcorp Genetics (formerly Invitae), Labcorp
Classification: Likely benign for Infantile neuroaxonal dystrophy. Last evaluated: 2026-01-30. Review status: criteria provided, single submitter. Criteria: Invitae Variant Classification Sherloc (09022015). Collection method: clinical testing. Allele origin: germline.

Mayo Clinic Laboratories, Mayo Clinic
Classification: Likely benign. Last evaluated: 2025-04-21. Review status: criteria provided, single submitter. Criteria: ACMG Guidelines, 2015. Collection method: clinical testing. Allele origin: germline. Observed: 2 variant alleles.
Comment: BS1, BP4, BP7

PreventionGenetics, part of Exact Sciences
Classification: Likely benign for PLA2G6-related condition. Last evaluated: 2019-11-25. Review status: no assertion criteria provided. Collection method: clinical testing. Allele origin: germline. Not counted in ClinVar's aggregate classification.
Comment: This variant is classified as likely benign based on ACMG/AMP sequence variant interpretation guidelines (Richards et al. 2015 PMID: 25741868, with internal and published modifications).